The following is an entry in ClinVar:

ClinVar aggregate classification (germline): Uncertain significance. Review status: criteria provided, multiple submitters, no conflicts (2 of 4 stars). 2 submissions from 2 submitters: Uncertain significance (2). Last evaluated 2024-12-24.

Submissions (2):

Labcorp Genetics (formerly Invitae), Labcorp
Classification: Uncertain significance. Last evaluated: 2024-12-24. Review status: criteria provided, single submitter. Criteria: Invitae Variant Classification Sherloc (09022015). Collection method: clinical testing. Allele origin: germline.
Comment: This variant, c.1565_1567del, results in the deletion of 1 amino acid(s) of the PRPF3 protein (p.Ala522del), but otherwise preserves the integrity of the reading frame. This variant is not present in population databases (gnomAD no frequency). This variant has not been reported in the literature in individuals affected with PRPF3-related conditions. Experimental studies and prediction algorithms are not available or were not evaluated, and the functional significance of this variant is currently unknown. In summary, the available evidence is currently insufficient to determine the role of this variant in disease. Therefore, it has been classified as a Variant of Uncertain Significance.

Blueprint Genetics
Classification: Uncertain significance. Last evaluated: 2018-02-14. Review status: criteria provided, single submitter. Criteria: ACMG Guidelines, 2015. Collection method: clinical testing. Allele origin: germline.

NM_004698.4(PRPF3):c.1562CAG[1] (p.Ala522del)

Gene: PRPF3 (pre-mRNA processing factor 3; plus strand). Cytogenetic location: 1q21.2.
Variant type: Microsatellite.
Coding change: c.1562CAG[1] on transcript NM_004698.4 (MANE Select); one copy of the 3-base unit CAG starting at c.1562; the reference has two copies in a row; one copy, 3 bases deleted.
Protein change: p.Ala522del; deletes alanine 522.
Molecular consequence: inframe deletion. On other transcripts: non-coding transcript variant (4).
Genome position (GRCh38, 1-based): chr1:150,344,472-150,344,474, CAG deleted; deleting any 3 consecutive bases within chr1:150,344,469-150,344,474 gives the same sequence; the position shown is the placement nearest the transcript's 3' end. VCF-style (leftmost placement, unchanged base first): chr1-150344468-ACAG-A. GRCh37 (hg19) VCF-style: chr1-150316944-ACAG-A.
Other names: c.1157CAG[1], p.Ala387del (NM_001350529.1); short protein forms A387del, A522del.
Identifiers: ClinVar variation 866740 (VCV000866740.4), dbSNP rs1658084978, ClinGen allele CA916082082.